The following is an entry in ClinVar:

NM_001378964.1(CDON):c.1442G>T (p.Gly481Val)

Gene: CDON (cell adhesion associated, oncogene regulated; minus strand). Cytogenetic location: 11q24.2.
Variant type: single nucleotide variant.
Coding change: c.1442G>T on transcript NM_001378964.1 (MANE Select); coding-DNA position 1442, G replaced by T.
Protein change: p.Gly481Val; replaces glycine 481 with valine.
Molecular consequence: missense variant.
Genome position (GRCh38, 1-based): chr11:126,010,451, C>A on the plus strand (G>T on the coding strand, the complement: CDON is on the minus strand). VCF-style: chr11-126010451-C-A. GRCh37 (hg19) VCF-style: chr11-125880346-C-A.
Other names: c.1442G>T, p.Gly481Val (NM_001243597.3, NM_001441161.1, NM_001441162.1 and 5 more transcripts); short protein forms G481V.
Identifiers: ClinVar variation 4281029 (VCV004281029.7).

ClinVar aggregate classification (germline): Uncertain significance (1 of 4 stars; one submission).

gnomAD v4.1: 10 of 1,614,134 alleles (0.00062%); highest among the groups gnomAD compares: Admixed American, 0.013%; no homozygotes.

Submission:

CeGaT Center for Human Genetics Tuebingen
Classification: Uncertain significance. Last evaluated: 2025-09-01. Review status: criteria provided, single submitter. Criteria: CeGaT Center For Human Genetics Tuebingen Variant Classification Criteria Version 2. Collection method: clinical testing. Allele origin: germline. Affected: yes. Observed: 1 variant allele.
Comment: CDON: PM2:Supporting, BP4